The following is an entry in ClinVar:

ClinVar aggregate classification (germline): Benign/Likely benign. Review status: criteria provided, multiple submitters, no conflicts (2 of 4 stars). 3 submissions from 3 submitters: Benign (1); Likely benign (2). Last evaluated 2026-04-20.

Conditions:
DICER1-related tumor predisposition. Also called: DICER1-related pleuropulmonary blastoma cancer predisposition syndrome; DICER1 syndrome. Identifiers: Orphanet 284343, MedGen C3839822, MONDO:0100216.
Hereditary cancer-predisposing syndrome. Also called: Hereditary Cancer Syndrome; Neoplastic Syndromes, Hereditary; Hereditary neoplastic syndrome; Tumor predisposition. Identifiers: Orphanet 140162, MedGen C0027672, MeSH D009386, MONDO:0015356.

Allele frequency attached by ClinVar (database versions not stated): TOPMed 0.00001; gnomAD exomes 0.00001.
gnomAD v4.1: 11 of 1,614,084 alleles (0.00068%); highest among the groups gnomAD compares: East Asian, 0.025%; no homozygotes.

Submissions (3):

Myriad Genetics, Inc.
Classification: Benign for DICER1-related tumor predisposition. Last evaluated: 2026-04-20. Review status: criteria provided, single submitter. Criteria: Myriad Autosomal Dominant, Autosomal Recessive and X-Linked Classification Criteria (2023). Collection method: clinical testing. Allele origin: unknown.
Comment: This variant is considered benign. This variant is a silent/synonymous amino acid change and it is not expected to impact splicing.

Labcorp Genetics (formerly Invitae), Labcorp
Classification: Likely benign for DICER1-related tumor predisposition. Last evaluated: 2025-05-09. Review status: criteria provided, single submitter. Criteria: Invitae Variant Classification Sherloc (09022015). Collection method: clinical testing. Allele origin: germline.

Ambry Genetics
Classification: Likely benign for Hereditary cancer-predisposing syndrome. Last evaluated: 2017-07-10. Review status: criteria provided, single submitter. Criteria: Ambry Variant Classification Scheme 2023. Collection method: clinical testing. Allele origin: germline.

NM_177438.3(DICER1):c.5208G>A (p.Arg1736=)

Gene: DICER1 (dicer 1, ribonuclease III; minus strand). Cytogenetic location: 14q32.13.
Variant type: single nucleotide variant.
Coding change: c.5208G>A on transcript NM_177438.3 (MANE Select); coding-DNA position 5208, G replaced by A.
Protein change: p.Arg1736=; no amino-acid change (arginine 1736 retained).
Molecular consequence: synonymous variant.
Genome position (GRCh38, 1-based): chr14:95,094,044, C>T on the plus strand (G>A on the coding strand, the complement: DICER1 is on the minus strand). VCF-style: chr14-95094044-C-T. GRCh37 (hg19) VCF-style: chr14-95560381-C-T.
Other names: c.5208G>A, p.Arg1736= (NM_001195573.1, NM_001271282.3, NM_001291628.2 and 1 more transcripts).
Identifiers: ClinVar variation 417077 (VCV000417077.18), dbSNP rs1060504969, ClinGen allele CA16614489.